The following is an entry in ClinVar:

ClinVar aggregate classification (germline): Uncertain significance (1 of 4 stars; one submission).

Conditions:
Combined oxidative phosphorylation defect type 17. Also called: Combined oxidative phosphorylation deficiency 17. Identifiers: Orphanet 369913, MedGen C3809526, MONDO:0014190, OMIM 615440.

Submission:

Labcorp Genetics (formerly Invitae), Labcorp
Classification: Uncertain significance for Combined oxidative phosphorylation defect type 17. Last evaluated: 2023-08-24. Review status: criteria provided, single submitter. Criteria: Invitae Variant Classification Sherloc (09022015). Collection method: clinical testing. Allele origin: germline.
Comment: ClinVar contains an entry for this variant (Variation ID: 2037022). This sequence change replaces arginine, which is basic and polar, with lysine, which is basic and polar, at codon 465 of the ELAC2 protein (p.Arg465Lys). This variant is not present in population databases (gnomAD no frequency). This variant has not been reported in the literature in individuals affected with ELAC2-related conditions. Advanced modeling of protein sequence and biophysical properties (such as structural, functional, and spatial information, amino acid conservation, physicochemical variation, residue mobility, and thermodynamic stability) performed at Invitae indicates that this missense variant is not expected to disrupt ELAC2 protein function. In summary, the available evidence is currently insufficient to determine the role of this variant in disease. Therefore, it has been classified as a Variant of Uncertain Significance.

NM_018127.7(ELAC2):c.1394G>A (p.Arg465Lys)

Gene: ELAC2 (elaC ribonuclease Z 2; minus strand). Cytogenetic location: 17p12.
Variant type: single nucleotide variant.
Coding change: c.1394G>A on transcript NM_018127.7 (MANE Select); coding-DNA position 1394, G replaced by A.
Protein change: p.Arg465Lys; replaces arginine 465 with lysine.
Molecular consequence: missense variant.
Genome position (GRCh38, 1-based): chr17:13,000,185, C>T on the plus strand (G>A on the coding strand, the complement: ELAC2 is on the minus strand). VCF-style: chr17-13000185-C-T. GRCh37 (hg19) VCF-style: chr17-12903502-C-T.
Other names: c.1274G>A, p.Arg425Lys (NM_001165962.2); c.1391G>A, p.Arg464Lys (NM_173717.2); short protein forms R425K, R465K, R464K.
Identifiers: ClinVar variation 2037022 (VCV002037022.2), dbSNP rs1285835576, ClinGen allele CA398224877.